The following is an entry in ClinVar:

ClinVar aggregate classification (germline): Likely benign (0 of 4 stars; one submission).

Conditions:
BRD2-related disorder. Also called: BRD2-related condition.

gnomAD v4.1: 33 of 1,612,936 alleles (0.002%); highest among the groups gnomAD compares: African/African-American, 0.0027%; 1 homozygote.

Submission:

PreventionGenetics, part of Exact Sciences
Classification: Likely benign for BRD2-related condition. Last evaluated: 2019-05-08. Review status: no assertion criteria provided. Collection method: clinical testing. Allele origin: germline.
Comment: This variant is classified as likely benign based on ACMG/AMP sequence variant interpretation guidelines (Richards et al. 2015 PMID: 25741868, with internal and published modifications).

NM_005104.4(BRD2):c.2253A>G (p.Lys751=)

Gene: BRD2 (bromodomain containing 2; plus strand). Cytogenetic location: 6p21.32.
Variant type: single nucleotide variant.
Coding change: c.2253A>G on transcript NM_005104.4 (MANE Select); coding-DNA position 2253, A replaced by G.
Protein change: p.Lys751=; no amino-acid change (lysine 751 retained).
Molecular consequence: synonymous variant.
Genome position (GRCh38, 1-based): chr6:32,980,448, A>G. VCF-style: chr6-32980448-A-G. GRCh37 (hg19) VCF-style: chr6-32948225-A-G.
Other names: c.2253A>G, p.Lys751= (NM_001113182.3); c.2358A>G, p.Lys786= (NM_001199455.1); c.2112A>G, p.Lys704= (NM_001199456.2); c.1893A>G, p.Lys631= (NM_001291986.2).
Identifiers: ClinVar variation 3352605 (VCV003352605.1).